The following is an entry in ClinVar:

ClinVar aggregate classification (germline): Uncertain significance (1 of 4 stars; one submission).

Submission:

GeneDx
Classification: Uncertain significance. Last evaluated: 2025-05-08. Review status: criteria provided, single submitter. Criteria: GeneDx Variant Classification Process June 2021. Collection method: clinical testing. Allele origin: germline. Affected: yes.
Comment: Not observed at significant frequency in large population cohorts (gnomAD); In silico analysis supports that this missense variant has a deleterious effect on protein structure/function; Has not been previously published as pathogenic or benign to our knowledge

NM_001085458.2(CTNND1):c.1432A>G (p.Asn478Asp)

Genes: CTNND1 (catenin delta 1; plus strand), TMX2-CTNND1 (TMX2-CTNND1 readthrough (NMD candidate); plus strand). Cytogenetic location: 11q12.1.
Variant type: single nucleotide variant.
Coding change: c.1432A>G on transcript NM_001085458.2 (MANE Select); coding-DNA position 1432, A replaced by G.
Protein change: p.Asn478Asp; replaces asparagine 478 with aspartic acid.
Molecular consequence: missense variant. On other transcripts: non-coding transcript variant (1).
Genome position (GRCh38, 1-based): chr11:57,803,632, A>G. VCF-style: chr11-57803632-A-G. GRCh37 (hg19) VCF-style: chr11-57571104-A-G.
Other names: c.1129A>G, p.Asn377Asp (NM_001085465.2, NM_001085466.2, NM_001085467.2 and 5 more transcripts); c.1270A>G, p.Asn424Asp (NM_001206883.2, NM_001206884.2, NM_001206886.2 and 4 more transcripts); c.1432A>G, p.Asn478Asp (NM_001206885.2, NM_001331.3, NM_001085459.2 and 3 more transcripts); short protein forms N377D, N424D, N478D.
Identifiers: ClinVar variation 4527862 (VCV004527862.1).
Genomic context (GRCh38, chr11:57,803,632, plus strand): 5'-CATATTGTCTTGAATGCTCAAGAGCCATCTGATGAATTGTCTCTTCCAGGAACCCTGTGG[A>G]ATCTTTCATCCCATGACTCAATCAAAATGGAGATTGTGGACCATGCACTGCATGCCTTGA-3'
Protein context (NP_001078927.1, residues 468-488): LTEVITGTLW[Asn478Asp]LSSHDSIKME